The following is an entry in ClinVar:

NM_002474.3(MYH11):c.2947C>T (p.Leu983=)

Gene: MYH11 (myosin heavy chain 11; minus strand). Cytogenetic location: 16p13.11.
Variant type: single nucleotide variant.
Coding change: c.2947C>T on transcript NM_002474.3 (MANE Select); coding-DNA position 2947, C replaced by T.
Protein change: p.Leu983=; no amino-acid change (leucine 983 retained).
Molecular consequence: synonymous variant.
Genome position (GRCh38, 1-based): chr16:15,740,101, G>A on the plus strand (C>T on the coding strand, the complement: MYH11 is on the minus strand). VCF-style: chr16-15740101-G-A. GRCh37 (hg19) VCF-style: chr16-15833958-G-A.
Other names: c.2968C>T, p.Leu990= (NM_001040113.2, NM_001040114.2); c.2947C>T, p.Leu983= (NM_022844.3).
Identifiers: ClinVar variation 516014 (VCV000516014.1), dbSNP rs1555558124, ClinGen allele CA493785954.
Genomic context (GRCh38, chr16:15,740,101, plus strand): 5'-CCCTACTCACTTTTGATAGTTTATTGTTCTGATCATCCATGACCAGGATCTCATCCTCCA[G>A]TTTCTTGATCTTGGCCTCAGCCGTGACCTTCTCAAGTTGCAGCTTCTGCCTGGCAGCTTC-3'
Protein context (NP_002465.1, residues 973-993): KVTAEAKIKK[Leu983=]EDEILVMDDQ

ClinVar aggregate classification (germline): Likely benign (1 of 4 stars; one submission).

Submission:

GeneDx
Classification: Likely benign. Last evaluated: 2018-03-13. Review status: criteria provided, single submitter. Criteria: GeneDx Variant Classification (06012015). Collection method: clinical testing. Allele origin: germline. Affected: yes.
Comment: This variant is considered likely benign or benign based on one or more of the following criteria: it is a conservative change, it occurs at a poorly conserved position in the protein, it is predicted to be benign by multiple in silico algorithms, and/or has population frequency not consistent with disease.